The following is an entry in ClinVar:

NM_152703.5(SAMD9L):c.659A>C (p.Glu220Ala)

Gene: SAMD9L (sterile alpha motif domain containing 9 like; minus strand). Cytogenetic location: 7q21.2.
Variant type: single nucleotide variant.
Coding change: c.659A>C on transcript NM_152703.5 (MANE Select); coding-DNA position 659, A replaced by C.
Protein change: p.Glu220Ala; replaces glutamic acid 220 with alanine.
Molecular consequence: missense variant.
Genome position (GRCh38, 1-based): chr7:93,135,313, T>G on the plus strand (A>C on the coding strand, the complement: SAMD9L is on the minus strand). VCF-style: chr7-93135313-T-G. GRCh37 (hg19) VCF-style: chr7-92764626-T-G.
Other names: c.659A>C, p.Glu220Ala (NM_001303500.3, NM_001350082.2, NM_001350083.2 and 5 more transcripts); short protein forms E220A.
Identifiers: ClinVar variation 4630117 (VCV004630117.1).
Genomic context (GRCh38, chr7:93,135,313, plus strand): 5'-CCAAAATGGATGGTGCCATTGGTGCGTGAATTCATACAAGCTGATGCAAATCGGAAGACT[T>G]CATTGCTGAATTTCATCTTAATGTCCACTTCCGTGGCTGTTTCTGTGTTTGTGAGAGCTT-3'
Protein context (NP_689916.2, residues 210-230): EVDIKMKFSN[Glu220Ala]VFRFASACMN

ClinVar aggregate classification (germline): Uncertain significance (1 of 4 stars; one submission).

Conditions:
Inborn genetic diseases. Identifiers: MedGen C0950123, MeSH D030342.

Submission:

Ambry Genetics
Classification: Uncertain significance for Inborn genetic diseases. Last evaluated: 2025-11-13. Review status: criteria provided, single submitter. Criteria: Ambry Variant Classification Scheme 2023. Collection method: clinical testing. Allele origin: germline.
Comment: The p.E220A variant (also known as c.659A>C), located in coding exon 1 of the SAMD9L gene, results from an A to C substitution at nucleotide position 659. The glutamic acid at codon 220 is replaced by alanine, an amino acid with dissimilar properties. This amino acid position is conserved. In addition, the in silico prediction for this alteration is inconclusive. Based on the available evidence, the clinical significance of this variant remains unclear.